The following is an entry in ClinVar:

NM_000104.4(CYP1B1):c.1278T>G (p.Ser426=)

Gene: CYP1B1 (cytochrome P450 family 1 subfamily B member 1; minus strand). Cytogenetic location: 2p22.2.
Variant type: single nucleotide variant.
Coding change: c.1278T>G on transcript NM_000104.4 (MANE Select); coding-DNA position 1278, T replaced by G.
Protein change: p.Ser426=; no amino-acid change (serine 426 retained).
Molecular consequence: synonymous variant.
Genome position (GRCh38, 1-based): chr2:38,071,076, A>C on the plus strand (T>G on the coding strand, the complement: CYP1B1 is on the minus strand). VCF-style: chr2-38071076-A-C. GRCh37 (hg19) VCF-style: chr2-38298219-A-C.
Identifiers: ClinVar variation 2650837 (VCV002650837.24), dbSNP rs1024011253, ClinGen allele CA45506328.

ClinVar aggregate classification (germline): Likely benign (1 of 4 stars; one submission).

Submission:

CeGaT Center for Human Genetics Tuebingen
Classification: Likely benign. Last evaluated: 2023-03-01. Review status: criteria provided, single submitter. Criteria: CeGaT Center For Human Genetics Tuebingen Variant Classification Criteria Version 2. Collection method: clinical testing. Allele origin: germline. Affected: yes. Observed: 1 variant allele.
Comment: CYP1B1: PM2:Supporting, BP4, BP7